The following is an entry in ClinVar:

ClinVar aggregate classification (germline): Conflicting classifications of pathogenicity. Review status: criteria provided, conflicting classifications (1 of 4 stars). 3 submissions from 3 submitters: Likely pathogenic (1); Uncertain significance (2). Last evaluated 2023-06-07.

Conditions:
Polydactyly, postaxial, type a7. Identifiers: MedGen C4539976, MONDO:0060550, OMIM 617642.

Allele frequency attached by ClinVar (database versions not stated): gnomAD exomes 0.00012 and 0.00024; ExAC 0.00015; gnomAD 0.00015 and 0.00016; TOPMed 0.00016; ESP Exome Variant Server 0.00025.

Submissions (3):

Department of Pathology and Laboratory Medicine, Sinai Health System
Classification: Uncertain significance for Polydactyly, postaxial, type a7. Last evaluated: 2023-06-07. Review status: criteria provided, single submitter. Criteria: ACMG Guidelines, 2015. Collection method: research. Allele origin: germline.

GeneDx
Classification: Uncertain significance. Last evaluated: 2023-01-10. Review status: criteria provided, single submitter. Criteria: GeneDx Variant Classification Process June 2021. Collection method: clinical testing. Allele origin: germline. Affected: yes.
Comment: Reported in a fetus with postaxial polydactyly who also harbors an additional missense variant in the IQCE gene (PMID: 34958143); Variants in candidate genes are classified as variants of uncertain significance in accordance with ACMG guidelines (Richards et al., 2015); Canonical splice site variant in a gene or region of a gene for which loss of function is not a well-established mechanism of disease; This variant is associated with the following publications: (PMID: 34958143)

CeGaT Center for Human Genetics Tuebingen
Classification: Likely pathogenic. Last evaluated: 2019-11-01. Review status: criteria provided, single submitter. Criteria: CeGaT Center For Human Genetics Tuebingen Variant Classification Criteria Version 2. Collection method: clinical testing. Allele origin: germline. Affected: yes. Observed: 1 variant allele.

NM_152558.5(IQCE):c.572_579+1del

Gene: IQCE (IQ motif containing E; plus strand). Cytogenetic location: 7p22.3.
Variant type: Deletion.
Coding change: c.572_579+1del on transcript NM_152558.5 (MANE Select); coding-DNA position 572 through the canonical splice donor site of the intron after coding-DNA position 579, 9 bases deleted (CCAGCCGCG; older notation c.572_579+1delCCAGCCGCG).
Molecular consequence: splice donor variant.
Genome position (GRCh38, 1-based): chr7:2,578,348-2,578,356, CCAGCCGCG deleted. VCF-style (leftmost placement, unchanged base first): chr7-2578347-CCCAGCCGCG-C. GRCh37 (hg19) VCF-style: chr7-2617981-CCCAGCCGCG-C.
Other names: c.377_384+1del (NM_001287501.2, NM_001287502.2); c.572_579+1del (NM_001287499.2); c.524_531+1del (NM_001287500.2).
Identifiers: ClinVar variation 871385 (VCV000871385.42), dbSNP rs765134641, ClinGen allele CA4128671.